The following is an entry in ClinVar:

NM_024915.4(GRHL2):c.869G>T (p.Arg290Leu)

Gene: GRHL2 (grainyhead like transcription factor 2; plus strand). Cytogenetic location: 8q22.3.
Variant type: single nucleotide variant.
Coding change: c.869G>T on transcript NM_024915.4 (MANE Select); coding-DNA position 869, G replaced by T.
Protein change: p.Arg290Leu; replaces arginine 290 with leucine.
Molecular consequence: missense variant.
Genome position (GRCh38, 1-based): chr8:101,573,802, G>T. VCF-style: chr8-101573802-G-T. GRCh37 (hg19) VCF-style: chr8-102586030-G-T.
Other names: c.821G>T, p.Arg274Leu (NM_001330593.2, NM_001440448.1); c.869G>T, p.Arg290Leu (NM_001440447.1); short protein forms R274L, R290L.
Identifiers: ClinVar variation 4621100 (VCV004621100.2).

ClinVar aggregate classification (germline): Uncertain significance. Review status: criteria provided, multiple submitters, no conflicts (2 of 4 stars). 2 submissions from 2 submitters: Uncertain significance (2). Last evaluated 2025-10-07.

Conditions:
Inborn genetic diseases. Identifiers: MedGen C0950123, MeSH D030342.

gnomAD v4.1: 3 of 1,614,122 alleles (0.00019%); highest among the groups gnomAD compares: Admixed American, 0.005%; no homozygotes.

Submissions (2):

Ambry Genetics
Classification: Uncertain significance for Inborn genetic diseases. Last evaluated: 2025-10-07. Review status: criteria provided, single submitter. Criteria: Ambry Variant Classification Scheme 2023. Collection method: clinical testing. Allele origin: germline.

Labcorp Genetics (formerly Invitae), Labcorp
Classification: Uncertain significance. Last evaluated: 2025-04-01. Review status: criteria provided, single submitter. Criteria: Invitae Variant Classification Sherloc (09022015). Collection method: clinical testing. Allele origin: germline.
Comment: This sequence change replaces arginine, which is basic and polar, with leucine, which is neutral and non-polar, at codon 290 of the GRHL2 protein (p.Arg290Leu). This variant is present in population databases (rs375445375, gnomAD 0.01%). This variant has not been reported in the literature in individuals affected with GRHL2-related conditions. Invitae Evidence Modeling of protein sequence and biophysical properties (such as structural, functional, and spatial information, amino acid conservation, physicochemical variation, residue mobility, and thermodynamic stability) has been performed for this missense variant. However, the output from this modeling did not meet the statistical confidence thresholds required to predict the impact of this variant on GRHL2 protein function. In summary, the available evidence is currently insufficient to determine the role of this variant in disease. Therefore, it has been classified as a Variant of Uncertain Significance.